The following is an entry in ClinVar:

NM_000282.4(PCCA):c.1323T>G (p.Ile441Met)

Gene: PCCA (propionyl-CoA carboxylase subunit alpha; plus strand). Cytogenetic location: 13q32.3.
Variant type: single nucleotide variant.
Coding change: c.1323T>G on transcript NM_000282.4 (MANE Select); coding-DNA position 1323, T replaced by G.
Protein change: p.Ile441Met; replaces isoleucine 441 with methionine.
Molecular consequence: missense variant. On other transcripts: non-coding transcript variant (5).
Genome position (GRCh38, 1-based): chr13:100,307,230, T>G. VCF-style: chr13-100307230-T-G. GRCh37 (hg19) VCF-style: chr13-100959484-T-G.
Other names: c.1245T>G, p.Ile415Met (NM_001127692.3, NM_001352607.2); c.1323T>G, p.Ile441Met (NM_001178004.2, NM_001352605.2, NM_001352609.2); c.1179T>G, p.Ile393Met (NM_001352606.2); c.1101T>G, p.Ile367Met (NM_001352608.2); c.378T>G, p.Ile126Met (NM_001352610.2, NM_001352611.2); c.234T>G, p.Ile78Met (NM_001352612.2); short protein forms I126M, I415M, I441M, I78M, I367M, I393M.
Identifiers: ClinVar variation 1935977 (VCV001935977.4), dbSNP rs2548142900, ClinGen allele CA388695664.

ClinVar aggregate classification (germline): Uncertain significance (1 of 4 stars; one submission).

Conditions:
Propionic acidemia (PROP). Also called: GLYCINEMIA, KETOTIC; HYPERGLYCINEMIA WITH KETOACIDOSIS AND LEUKOPENIA; KETOTIC HYPERGLYCINEMIA. Identifiers: Orphanet 35, MedGen C0268579, MONDO:0011628, OMIM 606054, HP:0003571.

Allele frequency attached by ClinVar (database versions not stated): gnomAD exomes below 0.00001.
gnomAD v4.1: 1 of 1,609,482 alleles (0.000062%); highest among the groups gnomAD compares: Non-Finnish European, 0.000085%; no homozygotes.

Submission:

Labcorp Genetics (formerly Invitae), Labcorp
Classification: Uncertain significance for Propionic acidemia. Last evaluated: 2024-08-04. Review status: criteria provided, single submitter. Criteria: Invitae Variant Classification Sherloc (09022015). Collection method: clinical testing. Allele origin: germline.
Comment: This sequence change replaces isoleucine, which is neutral and non-polar, with methionine, which is neutral and non-polar, at codon 441 of the PCCA protein (p.Ile441Met). This variant is not present in population databases (gnomAD no frequency). This variant has not been reported in the literature in individuals affected with PCCA-related conditions. ClinVar contains an entry for this variant (Variation ID: 1935977). Advanced modeling of protein sequence and biophysical properties (such as structural, functional, and spatial information, amino acid conservation, physicochemical variation, residue mobility, and thermodynamic stability) has been performed at Invitae for this missense variant, however the output from this modeling did not meet the statistical confidence thresholds required to predict the impact of this variant on PCCA protein function. In summary, the available evidence is currently insufficient to determine the role of this variant in disease. Therefore, it has been classified as a Variant of Uncertain Significance.